The following is an entry in ClinVar:

NM_133259.4(LRPPRC):c.3581A>G (p.Asp1194Gly)

Gene: LRPPRC (leucine rich pentatricopeptide repeat containing; minus strand). Cytogenetic location: 2p21.
Variant type: single nucleotide variant.
Coding change: c.3581A>G on transcript NM_133259.4 (MANE Select); coding-DNA position 3581, A replaced by G.
Protein change: p.Asp1194Gly; replaces aspartic acid 1194 with glycine.
Molecular consequence: missense variant.
Genome position (GRCh38, 1-based): chr2:43,899,594, T>C on the plus strand (A>G on the coding strand, the complement: LRPPRC is on the minus strand). VCF-style: chr2-43899594-T-C. GRCh37 (hg19) VCF-style: chr2-44126733-T-C.
Other names: short protein forms D1194G.
Identifiers: ClinVar variation 1345248 (VCV001345248.8), dbSNP rs1670815295, ClinGen allele CA346677064.

ClinVar aggregate classification (germline): Uncertain significance (1 of 4 stars; one submission).

Allele frequency attached by ClinVar (database versions not stated): gnomAD exomes below 0.00001; TOPMed below 0.00001.
gnomAD v4.1: 1 of 1,609,336 alleles (0.000062%); highest among the groups gnomAD compares: Admixed American, 0.0017%; no homozygotes.

Submission:

Labcorp Genetics (formerly Invitae), Labcorp
Classification: Uncertain significance. Last evaluated: 2025-01-13. Review status: criteria provided, single submitter. Criteria: Invitae Variant Classification Sherloc (09022015). Collection method: clinical testing. Allele origin: germline.
Comment: This sequence change replaces aspartic acid, which is acidic and polar, with glycine, which is neutral and non-polar, at codon 1194 of the LRPPRC protein (p.Asp1194Gly). This variant is not present in population databases (gnomAD no frequency). This variant has not been reported in the literature in individuals affected with LRPPRC-related conditions. ClinVar contains an entry for this variant (Variation ID: 1345248). Invitae Evidence Modeling of protein sequence and biophysical properties (such as structural, functional, and spatial information, amino acid conservation, physicochemical variation, residue mobility, and thermodynamic stability) indicates that this missense variant is not expected to disrupt LRPPRC protein function with a negative predictive value of 80%. In summary, the available evidence is currently insufficient to determine the role of this variant in disease. Therefore, it has been classified as a Variant of Uncertain Significance.